The following is an entry in ClinVar:

NM_004211.5(SLC6A5):c.608C>T (p.Ser203Phe)

Gene: SLC6A5 (solute carrier family 6 member 5; plus strand). Cytogenetic location: 11p15.1.
Variant type: single nucleotide variant.
Coding change: c.608C>T on transcript NM_004211.5 (MANE Select); coding-DNA position 608, C replaced by T.
Protein change: p.Ser203Phe; replaces serine 203 with phenylalanine.
Molecular consequence: missense variant. On other transcripts: intron variant (1).
Genome position (GRCh38, 1-based): chr11:20,604,353, C>T. VCF-style: chr11-20604353-C-T. GRCh37 (hg19) VCF-style: chr11-20625899-C-T.
Other names: c.-23-2654C>T (NM_001318369.2); short protein forms S203F.
Identifiers: ClinVar variation 2091823 (VCV002091823.4), dbSNP rs2494099803, ClinGen allele CA379912719.
Genomic context (GRCh38, chr11:20,604,353, plus strand): 5'-AGCAAGGGGATGAGAATAAGGCCCGAGGGAACTGGTCCAGCAAACTGGACTTCATCCTGT[C>T]CATGGTGGGGTACGCAGTGGGGCTGGGCAATGTCTGGAGGTTTCCCTACCTGGCCTTCCA-3'
Protein context (NP_004202.4, residues 193-213): NWSSKLDFIL[Ser203Phe]MVGYAVGLGN

ClinVar aggregate classification (germline): Uncertain significance (1 of 4 stars; one submission).

Conditions:
Hyperekplexia 3 (HKPX3). Also called: HYPEREKPLEXIA 3, AUTOSOMAL RECESSIVE; HYPEREKPLEXIA 3, AUTOSOMAL DOMINANT. Identifiers: Orphanet 3197, MedGen C3553288, MONDO:0013827, OMIM 614618.

Allele frequency attached by ClinVar (database versions not stated): gnomAD exomes below 0.00001.
gnomAD v4.1: 1 of 1,614,120 alleles (0.000062%); highest among the groups gnomAD compares: Non-Finnish European, 0.000085%; no homozygotes.

Submission:

Labcorp Genetics (formerly Invitae), Labcorp
Classification: Uncertain significance for Hyperekplexia 3. Last evaluated: 2022-07-25. Review status: criteria provided, single submitter. Criteria: Invitae Variant Classification Sherloc (09022015). Collection method: clinical testing. Allele origin: germline.
Comment: In summary, the available evidence is currently insufficient to determine the role of this variant in disease. Therefore, it has been classified as a Variant of Uncertain Significance. Advanced modeling of protein sequence and biophysical properties (such as structural, functional, and spatial information, amino acid conservation, physicochemical variation, residue mobility, and thermodynamic stability) performed at Invitae indicates that this missense variant is expected to disrupt SLC6A5 protein function. This variant has not been reported in the literature in individuals affected with SLC6A5-related conditions. This variant is not present in population databases (gnomAD no frequency). This sequence change replaces serine, which is neutral and polar, with phenylalanine, which is neutral and non-polar, at codon 203 of the SLC6A5 protein (p.Ser203Phe).